The following is an entry in ClinVar:

NM_001127222.2(CACNA1A):c.5090T>C (p.Leu1697Pro)

Gene: CACNA1A (calcium voltage-gated channel subunit alpha1 A; minus strand). Cytogenetic location: 19p13.13.
Variant type: single nucleotide variant.
Coding change: c.5090T>C on transcript NM_001127222.2 (MANE Select); coding-DNA position 5090, T replaced by C.
Protein change: p.Leu1697Pro; replaces leucine 1697 with proline.
Molecular consequence: missense variant.
Genome position (GRCh38, 1-based): chr19:13,235,252, A>G on the plus strand (T>C on the coding strand, the complement: CACNA1A is on the minus strand). VCF-style: chr19-13235252-A-G. GRCh37 (hg19) VCF-style: chr19-13346066-A-G.
Other names: c.5108T>C, p.Leu1703Pro (NM_000068.4, NM_023035.3); c.5093T>C, p.Leu1698Pro (NM_001127221.2); c.5099T>C, p.Leu1700Pro (NM_001174080.2); short protein forms L1697P, L1698P, L1700P, L1703P.
Identifiers: ClinVar variation 4883610 (VCV004883610.2).

ClinVar aggregate classification (germline): Uncertain significance (1 of 4 stars; one submission).

Conditions:
Developmental and epileptic encephalopathy, 42 (DEE42A). Also called: Epileptic encephalopathy, early infantile, 42; DEVELOPMENTAL AND EPILEPTIC ENCEPHALOPATHY 42A; EPILEPTIC ENCEPHALOPATHY, EARLY INFANTILE, 42A. Identifiers: MedGen C4310716, MONDO:0014917, OMIM 617106.

Submission:

Dasa
Classification: Uncertain significance for Developmental and epileptic encephalopathy, 42. Last evaluated: 2025-06-26. Review status: criteria provided, single submitter. Criteria: DASA Assertion Criteria. Collection method: clinical testing. Allele origin: germline.
Comment: NM_001127222.2(CACNA1A):c.5090T>C (p.Leu1697Pro) is a missense variant that results in the substitution of leucine with proline. The affected residue or protein region has prior evidence supporting clinical relevance. This variant is absent from population databases. Computational prediction algorithms are consistent with a deleterious effect. The currently available literature and clinical evidence are not sufficient to establish a definitive association between this variant and the reported condition. Therefore, this variant is classified as a variant of uncertain significance.